The following is an entry in ClinVar:

ClinVar aggregate classification (germline): Pathogenic (1 of 4 stars; one submission).

Submission:

Labcorp Genetics (formerly Invitae), Labcorp
Classification: Pathogenic. Last evaluated: 2023-07-19. Review status: criteria provided, single submitter. Criteria: Invitae Variant Classification Sherloc (09022015). Collection method: clinical testing. Allele origin: germline.
Comment: Algorithms developed to predict the effect of sequence changes on RNA splicing suggest that this variant may disrupt the consensus splice site. For these reasons, this variant has been classified as Pathogenic. This variant has not been reported in the literature in individuals affected with FRAS1-related conditions. This variant is not present in population databases (gnomAD no frequency). This sequence change creates a premature translational stop signal (p.Leu1713Trpfs*7) in the FRAS1 gene. It is expected to result in an absent or disrupted protein product. Loss-of-function variants in FRAS1 are known to be pathogenic (PMID: 12766769, 18671281).

Literature cited by the submitters: PubMed 12766769; PubMed 18671281.

NM_025074.7(FRAS1):c.5136del (p.Leu1713fs)

Gene: FRAS1 (Fraser extracellular matrix complex subunit 1; plus strand). Cytogenetic location: 4q21.21.
Variant type: Deletion.
Coding change: c.5136del on transcript NM_025074.7 (MANE Select); coding-DNA position 5136, one base deleted (A; older notation c.5136delA).
Protein change: p.Leu1713fs; shifts the reading frame from leucine 1713.
Molecular consequence: frameshift variant.
Genome position (GRCh38, 1-based): chr4:78,432,523, A deleted. VCF-style (leftmost placement, unchanged base first): chr4-78432522-GA-G. GRCh37 (hg19) VCF-style: chr4-79353676-GA-G.
Other names: c.5136del, p.Leu1713fs (NM_001166133.2); short protein forms L1713fs.
Identifiers: ClinVar variation 2834619 (VCV002834619.3), dbSNP rs2477159465, ClinGen allele CA2739270130.